The following continues an entry in ClinVar:

NM_001303256.3(MORC2):c.394C>T (p.Arg132Cys)

Gene: MORC2. ClinVar aggregate classification (germline): Pathogenic/Likely pathogenic. Pathogenic (13); Likely pathogenic (2).

Submissions 11 to 16 of 16:

GeneDx
Classification: Pathogenic. Last evaluated: 2021-12-14. Review status: criteria provided, single submitter. Criteria: GeneDx Variant Classification Process June 2021. Collection method: clinical testing. Allele origin: germline. Affected: yes.
Comment: Published functional studies demonstrate a damaging effect (Guillen Sacoto et al., 2020); Not observed in large population cohorts (Lek et al., 2016); This variant is associated with the following publications: (PMID: 28135719, 31785789, 34664855, 34189813, 32693025, 31618753)

Blueprint Genetics
Classification: Pathogenic for MORC2-related disorders. Last evaluated: 2021-09-06. Review status: criteria provided, single submitter. Criteria: ACMG Guidelines, 2015. Collection method: clinical testing. Allele origin: de novo. Affected: yes. Observed: 3 variant alleles.

Laboratory of Molecular Genetics (Pr. Bezieau's lab), CHU de Nantes
Classification: Pathogenic for Neurodevelopmental disorder. Last evaluated: 2021-02-26. Review status: criteria provided, single submitter. Criteria: ACMG Guidelines, 2015. Collection method: clinical testing. Allele origin: germline. Affected: yes.

Undiagnosed Diseases Network, NIH
Classification: Likely pathogenic for MORC2-related developmental disorder. Last evaluated: 2019-06-11. Review status: criteria provided, single submitter. Criteria: ACMG Guidelines, 2015. Collection method: clinical testing. Allele origin: de novo. Inheritance: Autosomal dominant inheritance. Affected: yes. Observed: 1 variant allele, 1 heterozygote.

Laboratory of Functional Genomics, Research Centre for Medical Genetics
Classification: Pathogenic for Developmental delay, impaired growth, dysmorphic facies, and axonal neuropathy. Review status: criteria provided, single submitter. Criteria: ACMG Guidelines, 2015. Collection method: clinical testing, in vitro. Allele origin: de novo, not applicable. Affected: yes. Observed: 1 heterozygote.
Comment: Segregation analysis confirmed its de novo state. This variant is absent in population databases. For functional characterization of the variant a vector, expressing MORC2 fused with Flag tag at C-terminal end, was created. Transfection of the plasmid into HEK293T cells followed by Western blotting didn’t reveal any reduction of MORC2 protein quantity compared to wt vector. In summary, c.394C>T variant meets criteria to be classified as pathogenic.

OMIM
Classification: Pathogenic for DEVELOPMENTAL DELAY, IMPAIRED GROWTH, DYSMORPHIC FACIES, AND AXONAL NEUROPATHY. Last evaluated: 2021-01-11. Review status: no assertion criteria provided. Collection method: literature only. Allele origin: germline. Not counted in ClinVar's aggregate classification.

Literature cited by the submitters: PubMed 31618753 (cited by 4 submitters); PubMed 31785789 (cited by 3 submitters); PubMed 32693025 (cited by 5 submitters); PubMed 36791574 (cited by Women's Health and Genetics/Laboratory Corporation of America, LabCorp and Victorian Clinical Genetics Services, Murdoch Childrens Research Institute); PubMed 39433808 (cited by Victorian Clinical Genetics Services, Murdoch Childrens Research Institute); PubMed 29440755 (cited by Victorian Clinical Genetics Services, Murdoch Childrens Research Institute); PubMed 27105897 (cited by Victorian Clinical Genetics Services, Murdoch Childrens Research Institute); PubMed 34059105 (cited by Victorian Clinical Genetics Services, Murdoch Childrens Research Institute); PubMed 28581500 (cited by Victorian Clinical Genetics Services, Murdoch Childrens Research Institute); PubMed 30624633 (cited by Victorian Clinical Genetics Services, Murdoch Childrens Research Institute); PubMed 28135719 (cited by Labcorp Genetics (formerly Invitae), Labcorp).